The following is an entry in ClinVar:

ClinVar aggregate classification (germline): Benign/Likely benign. Review status: criteria provided, multiple submitters, no conflicts (2 of 4 stars). 4 submissions from 4 submitters: Benign (1); Likely benign (1). 2 of the submissions do not count toward it. Last evaluated 2026-01-06.

Conditions:
SLC24A1-related disorder. Also called: SLC24A1-related condition.

Allele frequency attached by ClinVar (database versions not stated): gnomAD 0.00012 and 0.00019; gnomAD exomes 0.00017 and 0.00050; TOPMed 0.00022; ExAC 0.00028; 1000 Genomes Project 30x 0.00125; 1000 Genomes Project 0.00160.
gnomAD v4.1: 272 of 1,551,704 alleles (0.018%); highest among the groups gnomAD compares: East Asian, 0.61%; 1 homozygote.

Submissions (4):

Labcorp Genetics (formerly Invitae), Labcorp
Classification: Likely benign. Last evaluated: 2026-01-06. Review status: criteria provided, single submitter. Criteria: Invitae Variant Classification Sherloc (09022015). Collection method: clinical testing. Allele origin: germline.

Blueprint Genetics
Classification: Benign. Last evaluated: 2024-05-22. Review status: criteria provided, single submitter. Criteria: ACMG Guidelines, 2015. Collection method: clinical testing. Allele origin: germline.

PreventionGenetics, part of Exact Sciences
Classification: Likely benign for SLC24A1-related condition. Last evaluated: 2019-09-06. Review status: no assertion criteria provided. Collection method: clinical testing. Allele origin: germline. Not counted in ClinVar's aggregate classification.
Comment: This variant is classified as likely benign based on ACMG/AMP sequence variant interpretation guidelines (Richards et al. 2015 PMID: 25741868, with internal and published modifications).

Department of Ophthalmology and Visual Sciences Kyoto University
Classification: Likely benign. Review status: no assertion criteria provided. Collection method: not provided. Allele origin: unknown. Not counted in ClinVar's aggregate classification.
ClinVar note: Converted during submission from probable-non-pathogenic to Likely benign.

NM_004727.3(SLC24A1):c.2326G>C (p.Glu776Gln)

Gene: SLC24A1 (solute carrier family 24 member 1; plus strand). Cytogenetic location: 15q22.31.
Variant type: single nucleotide variant.
Coding change: c.2326G>C on transcript NM_004727.3 (MANE Select); coding-DNA position 2326, G replaced by C.
Protein change: p.Glu776Gln; replaces glutamic acid 776 with glutamine.
Molecular consequence: missense variant.
Genome position (GRCh38, 1-based): chr15:65,650,475, G>C. VCF-style: chr15-65650475-G-C. GRCh37 (hg19) VCF-style: chr15-65942813-G-C.
Other names: c.307G>C, p.Glu103Gln (NM_001254740.2); c.2326G>C, p.Glu776Gln (NM_001301031.1); c.2272G>C, p.Glu758Gln (NM_001301032.1, NM_001301033.2); short protein forms E776Q, E103Q, E758Q.
Identifiers: ClinVar variation 143128 (VCV000143128.14), dbSNP rs150992293, ClinGen allele CA232840.
Genomic context (GRCh38, chr15:65,650,475, plus strand): 5'-ATGCCAGGCGAAGAGGGCGAAACTGCTGGTGAAGGTGAAACTGAAGAGAAAAGTGGAGGT[G>C]AAACTCAACCAGAAGGTGAAGGTGAAACTGAAACACAAGGAAAAGGAGAAGAATGTGAAG-3'
Protein context (NP_004718.1, residues 766-786): EGETEEKSGG[Glu776Gln]TQPEGEGETE